The following is an entry in ClinVar:

ClinVar aggregate classification (germline): Uncertain significance (1 of 4 stars; one submission).

Conditions:
3-methylcrotonyl-CoA carboxylase 2 deficiency. Also called: 3 alpha methylcrotonyl-CoA carboxylase 2 deficiency; 3 alpha methylcrotonylglycinuria 2; MCC 2 deficiency; Methylcrotonylglycinuria type 2; METHYLCROTONYLGLYCINURIA, TYPE II. Identifiers: Orphanet 6, MedGen C1859499, MONDO:0008862, OMIM 210210.

Allele frequency attached by ClinVar (database versions not stated): gnomAD exomes below 0.00001; ExAC 0.00001.
gnomAD v4.1: 1 of 1,614,168 alleles (0.000062%); highest among the groups gnomAD compares: South Asian, 0.0011%; no homozygotes.

Submission:

Labcorp Genetics (formerly Invitae), Labcorp
Classification: Uncertain significance for 3-methylcrotonyl-CoA carboxylase 2 deficiency. Last evaluated: 2023-09-27. Review status: criteria provided, single submitter. Criteria: Invitae Variant Classification Sherloc (09022015). Collection method: clinical testing. Allele origin: germline.
Comment: In summary, the available evidence is currently insufficient to determine the role of this variant in disease. Therefore, it has been classified as a Variant of Uncertain Significance. Advanced modeling of protein sequence and biophysical properties (such as structural, functional, and spatial information, amino acid conservation, physicochemical variation, residue mobility, and thermodynamic stability) performed at Invitae indicates that this missense variant is expected to disrupt MCCC2 protein function. This missense change has been observed in individual(s) with biochemical results consistent with 3-Methylcrotonyl-CoA Carboxylase deficiency (Invitae). This variant is present in population databases (rs774223849, gnomAD 0.003%). This sequence change replaces serine, which is neutral and polar, with tyrosine, which is neutral and polar, at codon 444 of the MCCC2 protein (p.Ser444Tyr).

NM_022132.5(MCCC2):c.1331C>A (p.Ser444Tyr)

Gene: MCCC2 (methylcrotonyl-CoA carboxylase subunit 2; plus strand). Cytogenetic location: 5q13.2.
Variant type: single nucleotide variant.
Coding change: c.1331C>A on transcript NM_022132.5 (MANE Select); coding-DNA position 1331, C replaced by A.
Protein change: p.Ser444Tyr; replaces serine 444 with tyrosine.
Molecular consequence: missense variant.
Genome position (GRCh38, 1-based): chr5:71,649,211, C>A. VCF-style: chr5-71649211-C-A. GRCh37 (hg19) VCF-style: chr5-70945038-C-A.
Other names: c.1217C>A, p.Ser406Tyr (NM_001363147.1); short protein forms S406Y, S444Y.
Identifiers: ClinVar variation 2763683 (VCV002763683.3), dbSNP rs774223849, ClinGen allele CA3298106.
Genomic context (GRCh38, chr5:71,649,211, plus strand): 5'-AGATGGTGGCCGCTGTGGCCTGTGCCCAAGTGCCTAAGATAACCCTCATCATTGGGGGCT[C>A]CTATGGAGCCGGAAACTATGGGATGTGTGGCAGAGCATATAGGTAGGTGTCATGATTTTC-3'
Protein context (NP_071415.1, residues 434-454): VPKITLIIGG[Ser444Tyr]YGAGNYGMCG